The following is an entry in ClinVar:

ClinVar aggregate classification (germline): Pathogenic (1 of 4 stars; one submission).

Conditions:
Bloom syndrome (BLM). Also called: Bloom-Torre-Machacek syndrome. Identifiers: Orphanet 125, MedGen C0005859, MONDO:0008876, OMIM 210900.

Submission:

Labcorp Genetics (formerly Invitae), Labcorp
Classification: Pathogenic for Bloom syndrome. Last evaluated: 2022-11-12. Review status: criteria provided, single submitter. Criteria: Invitae Variant Classification Sherloc (09022015). Collection method: clinical testing. Allele origin: germline.
Comment: This sequence change creates a premature translational stop signal (p.Asp234Hisfs*3) in the BLM gene. It is expected to result in an absent or disrupted protein product. Loss-of-function variants in BLM are known to be pathogenic (PMID: 17407155). This variant is not present in population databases (gnomAD no frequency). This variant has not been reported in the literature in individuals affected with BLM-related conditions. ClinVar contains an entry for this variant (Variation ID: 1361379). For these reasons, this variant has been classified as Pathogenic.

Literature cited by the submitters: PubMed 17407155.

NM_000057.4(BLM):c.700_710del (p.Asp234fs)

Gene: BLM (BLM RecQ like helicase; plus strand). Cytogenetic location: 15q26.1.
Variant type: Deletion.
Coding change: c.700_710del on transcript NM_000057.4 (MANE Select); coding-DNA positions 700 to 710, 11 bases deleted (GATGTGATTTG).
Protein change: p.Asp234fs; shifts the reading frame from aspartic acid 234.
Molecular consequence: frameshift variant. On other transcripts: 5 prime UTR variant (1).
Genome position (GRCh38, 1-based): chr15:90,749,968-90,749,978, GATGTGATTTG deleted. VCF-style (leftmost placement, unchanged base first): chr15-90749967-CGATGTGATTTG-C. GRCh37 (hg19) VCF-style: chr15-91293197-CGATGTGATTTG-C.
Other names: c.700_710del, p.Asp234fs (NM_001287246.2, NM_001287247.2); c.-592_-582del (NM_001287248.2); short protein forms D234fs.
Identifiers: ClinVar variation 1361379 (VCV001361379.6), dbSNP rs2151147969, ClinGen allele CA2573151381.